The following is an entry in ClinVar:

ClinVar aggregate classification (germline): Uncertain significance. Review status: criteria provided, multiple submitters, no conflicts (2 of 4 stars). 3 submissions from 3 submitters: Uncertain significance (3). Last evaluated 2024-07-10.

Conditions:
Charcot-Marie-Tooth disease axonal type 2S. Also called: CHARCOT-MARIE-TOOTH DISEASE, AXONAL, AUTOSOMAL RECESSIVE, TYPE 2S; CHARCOT-MARIE-TOOTH NEUROPATHY, TYPE 2S. Identifiers: Orphanet 443073, MedGen C4015349, MONDO:0014511, OMIM 616155.
Autosomal recessive distal spinal muscular atrophy 1. Also called: SEVERE INFANTILE AXONAL NEUROPATHY WITH RESPIRATORY FAILURE; SPINAL MUSCULAR ATROPHY, DIAPHRAGMATIC; Spinal muscular atrophy with respiratory distress 1; NEURONOPATHY, DISTAL HEREDITARY MOTOR, HARDING TYPE VI; NEUROPATHY, DISTAL HEREDITARY MOTOR, AUTOSOMAL RECESSIVE 1; HMN VI. Identifiers: Orphanet 98920, MedGen C1858517, MONDO:0011436, OMIM 604320.

Allele frequency attached by ClinVar (database versions not stated): gnomAD 0.00001; TOPMed 0.00001; gnomAD exomes 0.00002 and 0.00003; ESP Exome Variant Server 0.00008.
gnomAD v4.1: 45 of 1,613,878 alleles (0.0028%); highest among the groups gnomAD compares: Non-Finnish European, 0.0035%; no homozygotes.

Submissions (3):

Revvity Omics, Revvity
Classification: Uncertain significance. Last evaluated: 2024-07-10. Review status: criteria provided, single submitter. Criteria: ACMG Guidelines, 2015. Collection method: clinical testing. Allele origin: germline.

Labcorp Genetics (formerly Invitae), Labcorp
Classification: Uncertain significance for Autosomal recessive distal spinal muscular atrophy 1; Charcot-Marie-Tooth disease axonal type 2S. Last evaluated: 2021-09-01. Review status: criteria provided, single submitter. Criteria: Invitae Variant Classification Sherloc (09022015). Collection method: clinical testing. Allele origin: germline.
Comment: This sequence change replaces glutamic acid with valine at codon 329 of the IGHMBP2 protein (p.Glu329Val). The glutamic acid residue is moderately conserved and there is a moderate physicochemical difference between glutamic acid and valine. This variant is not present in population databases (ExAC no frequency). This variant has not been reported in the literature in individuals affected with IGHMBP2-related conditions. Algorithms developed to predict the effect of missense changes on protein structure and function are either unavailable or do not agree on the potential impact of this missense change (SIFT: "Deleterious"; PolyPhen-2: "Probably Damaging"; Align-GVGD: "Class C0"). In summary, the available evidence is currently insufficient to determine the role of this variant in disease. Therefore, it has been classified as a Variant of Uncertain Significance.

Mayo Clinic Laboratories, Mayo Clinic
Classification: Uncertain significance. Last evaluated: 2019-04-27. Review status: criteria provided, single submitter. Criteria: ACMG Guidelines, 2015. Collection method: clinical testing. Allele origin: germline. Observed: 1 variant allele.

NM_002180.3(IGHMBP2):c.986A>T (p.Glu329Val)

Gene: IGHMBP2 (immunoglobulin mu DNA binding protein 2; plus strand). Cytogenetic location: 11q13.3.
Variant type: single nucleotide variant.
Coding change: c.986A>T on transcript NM_002180.3 (MANE Select); coding-DNA position 986, A replaced by T.
Protein change: p.Glu329Val; replaces glutamic acid 329 with valine.
Molecular consequence: missense variant.
Genome position (GRCh38, 1-based): chr11:68,917,809, A>T. VCF-style: chr11-68917809-A-T. GRCh37 (hg19) VCF-style: chr11-68685277-A-T.
Other names: short protein forms E329V.
Identifiers: ClinVar variation 962782 (VCV000962782.14), dbSNP rs201726883, ClinGen allele CA223395092.
Genomic context (GRCh38, chr11:68,917,809, plus strand): 5'-AGACCCAGGATAAGAGAGAGAAAAGTAATTTTCGAAATGAAATTAAGCTGTTAAGAAAAG[A>T]ACTGAAGGAGAGGGAAGAAGCAGCTATGCTCGAGAGCCTCACTTCGGCAAACGTGGTCCT-3'
Protein context (NP_002171.2, residues 319-339): FRNEIKLLRK[Glu329Val]LKEREEAAML